The following is an entry in ClinVar:

ClinVar aggregate classification (germline): Uncertain significance. Review status: criteria provided, multiple submitters, no conflicts (2 of 4 stars). 2 submissions from 2 submitters: Uncertain significance (2). Last evaluated 2025-07-16.

Conditions:
Inborn genetic diseases. Identifiers: MedGen C0950123, MeSH D030342.

Allele frequency attached by ClinVar (database versions not stated): ExAC 0.00001; gnomAD exomes 0.00001 and 0.00002.
gnomAD v4.1: 16 of 1,201,603 alleles (0.0013%); highest among the groups gnomAD compares: East Asian, 0.0059%; no homozygotes.

Submissions (2):

Labcorp Genetics (formerly Invitae), Labcorp
Classification: Uncertain significance. Last evaluated: 2025-07-16. Review status: criteria provided, single submitter. Criteria: Invitae Variant Classification Sherloc (09022015). Collection method: clinical testing. Allele origin: germline.
Comment: This sequence change replaces alanine, which is neutral and non-polar, with valine, which is neutral and non-polar, at codon 208 of the GPR143 protein (p.Ala208Val). This variant is present in population databases (rs761860018, gnomAD 0.002%). This variant has not been reported in the literature in individuals affected with GPR143-related conditions. ClinVar contains an entry for this variant (Variation ID: 1440990). Invitae Evidence Modeling of protein sequence and biophysical properties (such as structural, functional, and spatial information, amino acid conservation, physicochemical variation, residue mobility, and thermodynamic stability) indicates that this missense variant is not expected to disrupt GPR143 protein function with a negative predictive value of 95%. This variant disrupts the p.Ala208 amino acid residue in GPR143. Other variant(s) that disrupt this residue have been determined to be pathogenic (PMID: 30555098; internal data). This suggests that this residue is clinically significant, and that variants that disrupt this residue are likely to be disease-causing. In summary, the available evidence is currently insufficient to determine the role of this variant in disease. Therefore, it has been classified as a Variant of Uncertain Significance.

Ambry Genetics
Classification: Uncertain significance for Inborn genetic diseases. Last evaluated: 2022-03-03. Review status: criteria provided, single submitter. Criteria: Ambry Variant Classification Scheme 2023. Collection method: clinical testing. Allele origin: germline.

Literature cited by the submitters: PubMed 30555098 (cited by Labcorp Genetics (formerly Invitae), Labcorp).

NM_000273.3(GPR143):c.623C>T (p.Ala208Val)

Gene: GPR143 (G protein-coupled receptor 143; minus strand). Cytogenetic location: Xp22.2.
Variant type: single nucleotide variant.
Coding change: c.623C>T on transcript NM_000273.3 (MANE Select); coding-DNA position 623, C replaced by T.
Protein change: p.Ala208Val; replaces alanine 208 with valine.
Molecular consequence: missense variant.
Genome position (GRCh38, 1-based): chrX:9,746,079, G>A on the plus strand (C>T on the coding strand, the complement: GPR143 is on the minus strand). VCF-style: chrX-9746079-G-A. GRCh37 (hg19) VCF-style: chrX-9714119-G-A.
Other names: c.623C>T (NM_000273.2); short protein forms A208V.
Identifiers: ClinVar variation 1440990 (VCV001440990.8), dbSNP rs761860018, ClinGen allele CA10344983.